The following is an entry in ClinVar:

ClinVar aggregate classification (germline): Conflicting classifications of pathogenicity. Review status: criteria provided, conflicting classifications (1 of 4 stars). 3 submissions from 3 submitters: Uncertain significance (2); Likely benign (1). Last evaluated 2026-01-25.

Conditions:
Hereditary cancer-predisposing syndrome. Also called: Hereditary Cancer Syndrome; Hereditary neoplastic syndrome; Neoplastic Syndromes, Hereditary; Tumor predisposition. Identifiers: Orphanet 140162, MedGen C0027672, MeSH D009386, MONDO:0015356.
Intellectual disability, autosomal dominant 16 (CSS4). Also called: COFFIN-SIRIS SYNDROME 4. Identifiers: Orphanet 1465, MedGen C3553249, MONDO:0013821, OMIM 614609.
Rhabdoid tumor predisposition syndrome 2 (RTPS2). Identifiers: Orphanet 231108, Orphanet 69077, MedGen C2750074, MONDO:0013224, OMIM 613325.

gnomAD v4.1: 6 of 1,612,362 alleles (0.00037%); highest among the groups gnomAD compares: Non-Finnish European, 0.00051%; no homozygotes.

Submissions (3):

Labcorp Genetics (formerly Invitae), Labcorp
Classification: Uncertain significance for Rhabdoid tumor predisposition syndrome 2. Last evaluated: 2026-01-25. Review status: criteria provided, single submitter. Criteria: Invitae Variant Classification Sherloc (09022015). Collection method: clinical testing. Allele origin: germline.
Comment: This sequence change replaces arginine, which is basic and polar, with cysteine, which is neutral and slightly polar, at codon 1461 of the SMARCA4 protein (p.Arg1461Cys). This variant is not present in population databases (gnomAD no frequency). This variant has not been reported in the literature in individuals affected with SMARCA4-related conditions. ClinVar contains an entry for this variant (Variation ID: 408619). An algorithm developed to predict the effect of missense changes on protein structure and function (PolyPhen-2) suggests that this variant is likely to be disruptive. In summary, the available evidence is currently insufficient to determine the role of this variant in disease. Therefore, it has been classified as a Variant of Uncertain Significance.

Ambry Genetics
Classification: Likely benign for Hereditary cancer-predisposing syndrome. Last evaluated: 2021-12-10. Review status: criteria provided, single submitter. Criteria: Ambry Variant Classification Scheme 2023. Collection method: clinical testing. Allele origin: germline.

Genome-Nilou Lab
Classification: Uncertain significance for Intellectual disability, autosomal dominant 16. Last evaluated: 2021-07-15. Review status: criteria provided, single submitter. Criteria: ACMG Guidelines, 2015. Collection method: clinical testing. Allele origin: germline. Affected: no.

NM_003072.5(SMARCA4):c.4285C>T (p.Arg1429Cys)

Gene: SMARCA4 (SWI/SNF related BAF chromatin remodeling complex subunit ATPase 4; plus strand). Cytogenetic location: 19p13.2.
Variant type: single nucleotide variant.
Coding change: c.4285C>T on transcript NM_003072.5 (MANE Select); coding-DNA position 4285, C replaced by T.
Protein change: p.Arg1429Cys; replaces arginine 1429 with cysteine.
Molecular consequence: missense variant. On other transcripts: non-coding transcript variant (1).
Genome position (GRCh38, 1-based): chr19:11,041,421, C>T. VCF-style: chr19-11041421-C-T. GRCh37 (hg19) VCF-style: chr19-11152097-C-T.
Other names: c.4285C>T, p.Arg1429Cys (NM_001128844.3); c.4195C>T, p.Arg1399Cys (NM_001128845.2, NM_001128846.2); c.4186C>T, p.Arg1396Cys (NM_001128847.4, NM_001128848.2, NM_001374457.1); c.4381C>T, p.Arg1461Cys (NM_001128849.3, NM_001387283.1); short protein forms R1461C, R1396C, R1429C, R1399C.
Identifiers: ClinVar variation 408619 (VCV000408619.17), dbSNP rs1060502069, ClinGen allele CA16615972.